The following is an entry in ClinVar:

NM_000051.4(ATM):c.189T>C (p.Phe63=)

Gene: ATM (ATM serine/threonine kinase; plus strand). Cytogenetic location: 11q22.3.
Variant type: single nucleotide variant.
Coding change: c.189T>C on transcript NM_000051.4 (MANE Select); coding-DNA position 189, T replaced by C.
Protein change: p.Phe63=; no amino-acid change (phenylalanine 63 retained).
Molecular consequence: synonymous variant.
Genome position (GRCh38, 1-based): chr11:108,229,181, T>C. VCF-style: chr11-108229181-T-C. GRCh37 (hg19) VCF-style: chr11-108099908-T-C.
Other names: c.189T>C, p.Phe63= (NM_001351834.2, NM_001351835.2, NM_001351836.2).
Identifiers: ClinVar variation 482687 (VCV000482687.19), dbSNP rs926466183, ClinGen allele CA228369271.
Genomic context (GRCh38, chr11:108,229,181, plus strand): 5'-ATTATTATAATTTAAGTATTCAACGAGTTTCTGAAATTGCATTTTGTTTTCTTGAAGATT[T>C]TTACAGAAATATATTCAGAAAGAAACAGAATGTCTGAGAATAGCAAAACCAAATGTATCA-3'
Protein context (NP_000042.3, residues 53-73): KYLNWDAVFR[Phe63=]LQKYIQKETE

ClinVar aggregate classification (germline): Benign/Likely benign. Review status: criteria provided, multiple submitters, no conflicts (2 of 4 stars). 4 submissions from 4 submitters: Benign (1); Likely benign (3). Last evaluated 2025-07-24.

Conditions:
Hereditary cancer-predisposing syndrome. Also called: Hereditary neoplastic syndrome; Neoplastic Syndromes, Hereditary; Tumor predisposition; Hereditary Cancer Syndrome. Identifiers: Orphanet 140162, MedGen C0027672, MeSH D009386, MONDO:0015356.
Familial cancer of breast. Also called: BREAST CANCER, FAMILIAL; Hereditary breast cancer; hereditary breast carcinoma. Identifiers: Orphanet 227535, MedGen C0346153, MONDO:0016419, OMIM 114480. Disease mechanism: loss of function.
Ataxia-telangiectasia syndrome (AT). Also called: LOUIS-BAR SYNDROME; Cerebello-oculocutaneous telangiectasia; Immunodeficiency with ataxia telangiectasia; AT, COMPLEMENTATION GROUP C; Ataxia-telangiectasia, complementation group D; ATAXIA-TELANGIECTASIA, COMPLEMENTATION GROUP A. Identifiers: Orphanet 100, MedGen C0004135, MONDO:0008840, OMIM 208900.

Allele frequency attached by ClinVar (database versions not stated): gnomAD exomes below 0.00001.
gnomAD v4.1: 1 of 1,610,778 alleles (0.000062%); highest among the groups gnomAD compares: South Asian, 0.0011%; no homozygotes.

Submissions (4):

Labcorp Genetics (formerly Invitae), Labcorp
Classification: Likely benign for Ataxia-telangiectasia syndrome. Last evaluated: 2025-07-24. Review status: criteria provided, single submitter. Criteria: Invitae Variant Classification Sherloc (09022015). Collection method: clinical testing. Allele origin: germline.

Myriad Genetics, Inc.
Classification: Benign for Familial cancer of breast. Last evaluated: 2024-04-18. Review status: criteria provided, single submitter. Criteria: Myriad Autosomal Dominant, Autosomal Recessive and X-Linked Classification Criteria (2023). Collection method: clinical testing. Allele origin: unknown.
Comment: This variant is considered benign. This variant is a silent/synonymous amino acid change and it is not expected to impact splicing.

Color Diagnostics, LLC DBA Color Health
Classification: Likely benign for Hereditary cancer-predisposing syndrome. Last evaluated: 2017-10-02. Review status: criteria provided, single submitter. Criteria: ACMG Guidelines, 2015. Collection method: clinical testing. Allele origin: germline.

Ambry Genetics
Classification: Likely benign for Hereditary cancer-predisposing syndrome. Last evaluated: 2017-02-09. Review status: criteria provided, single submitter. Criteria: Ambry Variant Classification Scheme 2023. Collection method: clinical testing. Allele origin: germline.